The following is an entry in ClinVar:

ClinVar aggregate classification (germline): Pathogenic/Likely pathogenic. Review status: criteria provided, multiple submitters, no conflicts (2 of 4 stars). 3 submissions from 3 submitters: Pathogenic (1); Likely pathogenic (1). 1 of the submissions does not count toward it. Last evaluated 2024-10-21.

Conditions:
Charcot-Marie-Tooth disease type 2. Also called: Charcot-Marie-Tooth type 2. Identifiers: Orphanet 64746, MedGen C0270914, MONDO:0018993.
Primary familial dilated cardiomyopathy (FDC). Also called: Familial dilated cardiomyopathy; Hypokinetic dilated cardiomyopathy, familial. Identifiers: Orphanet 217607, MedGen C0340427, MONDO:0016333.

Submissions (3):

Women's Health and Genetics/Laboratory Corporation of America, LabCorp
Classification: Likely pathogenic for Primary familial dilated cardiomyopathy. Last evaluated: 2024-10-21. Review status: criteria provided, single submitter. Criteria: LabCorp Variant Classification Summary - May 2015. Collection method: clinical testing. Allele origin: germline.
Comment: Variant summary: LMNA c.608A>T (p.Glu203Val) results in a non-conservative amino acid change in the encoded protein sequence. Five of five in-silico tools predict a damaging effect of the variant on protein function. The variant was absent in 251392 control chromosomes (gnomAD). c.608A>T has been reported in the literature in individuals affected with Dilated Cardiomyopathy (Perrot_2009, Labcorp Genetics (formerly Invitae)). These data indicate that the variant may be associated with disease. A different variant affecting the same codon has been determined to be pathogenic (c.607G>A, p.Glu203Lys), supporting the critical relevance of codon 203 to LMNA protein function. At least one publication reports experimental evidence evaluating an impact on protein function, however, it does not allow convincing conclusions about the variant effect (Anderson_2021). The following publications have been ascertained in the context of this evaluation (PMID: 18795223, 34862408). ClinVar contains an entry for this variant (Variation ID: 66915). Based on the evidence outlined above, the variant was classified as likely pathogenic.

Labcorp Genetics (formerly Invitae), Labcorp
Classification: Pathogenic for Charcot-Marie-Tooth disease type 2. Last evaluated: 2023-08-17. Review status: criteria provided, single submitter. Criteria: Invitae Variant Classification Sherloc (09022015). Collection method: clinical testing. Allele origin: germline.
Comment: For these reasons, this variant has been classified as Pathogenic. This variant disrupts the p.Glu203 amino acid residue in LMNA. Other variant(s) that disrupt this residue have been determined to be pathogenic (PMID: 11561226, 18606848, 20160190, 22464770). This suggests that this residue is clinically significant, and that variants that disrupt this residue are likely to be disease-causing. Algorithms developed to predict the effect of sequence changes on RNA splicing suggest that this variant may create or strengthen a splice site. Advanced modeling of protein sequence and biophysical properties (such as structural, functional, and spatial information, amino acid conservation, physicochemical variation, residue mobility, and thermodynamic stability) performed at Invitae indicates that this missense variant is expected to disrupt LMNA protein function. ClinVar contains an entry for this variant (Variation ID: 66915). This missense change has been observed in individuals with clinical features of autosomal dominant LMNA-related conditions (PMID: 18795223; Invitae). This variant is not present in population databases (gnomAD no frequency). This sequence change replaces glutamic acid, which is acidic and polar, with valine, which is neutral and non-polar, at codon 203 of the LMNA protein (p.Glu203Val).

Epithelial Biology;  Institute of Medical Biology, Singapore
No classification provided. Review status: no classification provided. Collection method: not provided. Allele origin: not provided. Not counted in ClinVar's aggregate classification.

Literature cited by the submitters: PubMed 18795223 (cited by Women's Health and Genetics/Laboratory Corporation of America, LabCorp and Labcorp Genetics (formerly Invitae), Labcorp); PubMed 34862408 (cited by Women's Health and Genetics/Laboratory Corporation of America, LabCorp); PubMed 11561226 (cited by Labcorp Genetics (formerly Invitae), Labcorp); PubMed 18606848 (cited by Labcorp Genetics (formerly Invitae), Labcorp); PubMed 20160190 (cited by Labcorp Genetics (formerly Invitae), Labcorp); PubMed 22464770 (cited by Labcorp Genetics (formerly Invitae), Labcorp).

NM_170707.4(LMNA):c.608A>T (p.Glu203Val)

Gene: LMNA (lamin A/C; plus strand). Cytogenetic location: 1q22.
Variant type: single nucleotide variant.
Coding change: c.608A>T on transcript NM_170707.4 (MANE Select); coding-DNA position 608, A replaced by T.
Protein change: p.Glu203Val; replaces glutamic acid 203 with valine.
Molecular consequence: missense variant.
Genome position (GRCh38, 1-based): chr1:156,134,497, A>T. VCF-style: chr1-156134497-A-T. GRCh37 (hg19) VCF-style: chr1-156104288-A-T.
Other names: c.272A>T, p.Glu91Val (NM_001257374.3); c.365A>T, p.Glu122Val (NM_001282624.2); c.608A>T, p.Glu203Val (NM_001282625.2, NM_001282626.2, NM_005572.4 and 1 more transcripts); short protein forms E203V, E91V, E122V.
Identifiers: ClinVar variation 66915 (VCV000066915.6), dbSNP rs28933092, ClinGen allele CA018303.